The following is an entry in ClinVar:

NM_000506.5(F2):c.1621C>T (p.Arg541Trp)

Gene: F2 (coagulation factor II, thrombin; plus strand). Cytogenetic location: 11p11.2.
Variant type: single nucleotide variant.
Coding change: c.1621C>T on transcript NM_000506.5 (MANE Select); coding-DNA position 1621, C replaced by T.
Protein change: p.Arg541Trp; replaces arginine 541 with tryptophan.
Molecular consequence: missense variant.
Genome position (GRCh38, 1-based): chr11:46,729,528, C>T. VCF-style: chr11-46729528-C-T. GRCh37 (hg19) VCF-style: chr11-46751078-C-T.
Other names: c.1621C>T (NM_000506.4); short protein forms R541W.
Identifiers: ClinVar variation 986165 (VCV000986165.6), dbSNP rs886048338, ClinGen allele CA380271787.

ClinVar aggregate classification (germline): Conflicting classifications of pathogenicity. Review status: criteria provided, conflicting classifications (1 of 4 stars). 3 submissions from 3 submitters: Likely pathogenic (1); Uncertain significance (1). 1 of the submissions does not count toward it. Last evaluated 2018-10-12.

Conditions:
Inborn genetic diseases. Identifiers: MedGen C0950123, MeSH D030342.
Thrombophilia due to thrombin defect (THPH1). Also called: Thrombosis susceptibility; THROMBOPHILIA DUE TO FACTOR 2 DEFECT; Prothrombin-Related Thrombophilia (Factor II); Prothrombin Thrombophilia. Identifiers: MedGen C3160733, MONDO:0008559, OMIM 188050. Disease mechanism: gain of function, loss of function.

Submissions (3):

Ambry Genetics
Classification: Uncertain significance for Inborn genetic diseases. Last evaluated: 2018-10-12. Review status: criteria provided, single submitter. Criteria: Ambry exome assertion method (8-5-2015). Collection method: clinical testing. Allele origin: germline. Affected: yes. Observed: 1 variant allele.

ISTH-SSC Genomics in Thrombosis and Hemostasis, KU Leuven, Center for Molecular and Vascular Biology
Classification: Likely pathogenic for Thrombophilia due to thrombin defect. Review status: criteria provided, single submitter. Criteria: ACMG Guidelines, 2015. Collection method: clinical testing. Allele origin: germline. Affected: yes. Observed: 1 heterozygote.
Comment: Submitted to GoldVariant by Kathleen Freson, Center for Molecular and Vascular Biology, Leuven, Belgium

GeneReviews
No classification provided. Condition: Thrombophilia due to thrombin defect. Review status: no classification provided. Collection method: literature only. Allele origin: germline. Not counted in ClinVar's aggregate classification.

Literature cited by the submitters: PubMed 32194638 (cited by ISTH-SSC Genomics in Thrombosis and Hemostasis, KU Leuven, Center for Molecular and Vascular Biology); NCBI Bookshelf NBK1148 (cited by GeneReviews); PubMed 31582550 (cited by GeneReviews).